The following is an entry in ClinVar:

NM_054027.6(ANKH):c.*2699G>C

Genes: ANKH (ANKH inorganic pyrophosphate transport regulator; minus strand), OTULIN (OTU deubiquitinase with linear linkage specificity; plus strand). Cytogenetic location: 5p15.2.
Variant type: single nucleotide variant.
Coding change: c.*2699G>C on transcript NM_054027.6 (MANE Select); 2699 bases downstream of the stop codon, G replaced by C.
Molecular consequence: 3 prime UTR variant.
Genome position (GRCh38, 1-based): chr5:14,708,498, C>G on the plus strand (G>C on the coding strand, the complement: ANKH is on the minus strand). VCF-style: chr5-14708498-C-G. GRCh37 (hg19) VCF-style: chr5-14708607-C-G.
Identifiers: ClinVar variation 351442 (VCV000351442.29), dbSNP rs569690245, ClinGen allele CA10623161.
Genomic context (GRCh38, chr5:14,708,498, plus strand): 5'-TACAATGAAAAATAAATGTTTTGGGGGAATGTTTCTTTGGTCACAAAAGTCAAAAAGTTG[C>G]CCCAATGACTCTGAAAAGTGGGAAGGAGAAAGGTCACCCTCCCTGGTTTGATCTCTCATG-3'

ClinVar aggregate classification (germline): Benign. Review status: criteria provided, multiple submitters, no conflicts (2 of 4 stars). 3 submissions from 2 submitters: Benign (3). Last evaluated 2023-02-01.

Conditions:
Chondrocalcinosis 2. Also called: Familial calcium pyrophosphate deposition; CALCIUM GOUT; CALCIUM PYROPHOSPHATE ARTHROPATHY. Identifiers: Orphanet 1416, MedGen C0856830, MONDO:0007319, OMIM 118600.
Craniometaphyseal dysplasia, autosomal dominant (CMDD). Identifiers: Orphanet 1522, MedGen C1852502, MONDO:0007397, OMIM 123000.

Allele frequency attached by ClinVar (database versions not stated): 1000 Genomes Project 0.00140; 1000 Genomes Project 30x 0.00141; gnomAD 0.00145 and 0.00151; TOPMed 0.00154.

Submissions (3):

CeGaT Center for Human Genetics Tuebingen
Classification: Benign. Last evaluated: 2023-02-01. Review status: criteria provided, single submitter. Criteria: CeGaT Center For Human Genetics Tuebingen Variant Classification Criteria Version 2. Collection method: clinical testing. Allele origin: germline. Affected: yes. Observed: 4 variant alleles.
Comment: ANKH: BS1, BS2

Illumina Laboratory Services, Illumina
Classification: Benign for Chondrocalcinosis 2. Last evaluated: 2018-01-13. Review status: criteria provided, single submitter. Criteria: ICSL Variant Classification Criteria 13 December 2019. Collection method: clinical testing. Allele origin: germline.
Comment: This variant was observed in the ICSL laboratory as part of a predisposition screen in an ostensibly healthy population. It had not been previously curated by ICSL or reported in the Human Gene Mutation Database (HGMD: prior to June 1st, 2018), and was therefore a candidate for classification through an automated scoring system. Utilizing variant allele frequency, disease prevalence and penetrance estimates, and inheritance mode, an automated score was calculated to assess if this variant is too frequent to cause the disease. Based on the score and internal cut-off values, a variant classified as benign is not then subjected to further curation. The score for this variant resulted in a classification of benign for this disease.

Illumina Laboratory Services, Illumina
Classification: Benign for Craniometaphyseal dysplasia, autosomal dominant. Last evaluated: 2018-01-13. Review status: criteria provided, single submitter. Criteria: ICSL Variant Classification Criteria 13 December 2019. Collection method: clinical testing. Allele origin: germline.
Comment: the same text as in the submission from Illumina Laboratory Services, Illumina above.